The following is an entry in ClinVar:

NM_001042492.3(NF1):c.3202_3203dup (p.Leu1068fs)

Gene: NF1 (neurofibromin 1; plus strand). Cytogenetic location: 17q11.2.
Variant type: Duplication.
Coding change: c.3202_3203dup on transcript NM_001042492.3 (MANE Select); coding-DNA positions 3202 to 3203, 2 bases duplicated (TT; older notation c.3202_3203dupTT).
Protein change: p.Leu1068fs; shifts the reading frame from leucine 1068.
Molecular consequence: frameshift variant.
Genome position (GRCh38, 1-based): chr17:31,232,077-31,232,078, TT duplicated; duplicating any 2 consecutive bases within chr17:31,232,076-31,232,078 gives the same sequence; the c. name uses the placement nearest the transcript's 3' end. VCF-style (leftmost placement, unchanged base first): chr17-31232075-A-ATT. GRCh37 (hg19) VCF-style: chr17-29559093-A-ATT.
Other names: c.3202_3203dup, p.Leu1068Phefs (NM_000267.4); short protein forms L1068fs.
Identifiers: ClinVar variation 3075881 (VCV003075881.1), dbSNP rs2151433657, ClinGen allele CA625470987.
Genomic context (GRCh38, chr17:31,232,075, plus strand): 5'-AAGAACTTGAAAGATTCATGGTCTCTAAATTTTTTTTTTTTTTTTTTTTTTTTTTCAGAG[A>ATT]TTTGGACCAGGCAAGCATGGAAGCAGTAGTTTCACTTCTAGCTGGTCTCCCTCTGCAGCC-3'

ClinVar aggregate classification (germline): Likely pathogenic (1 of 4 stars; one submission).

Conditions:
Neurofibromatosis, type 1 (NF1). Also called: Neurofibromatosis, type I; VON RECKLINGHAUSEN DISEASE; NEUROFIBROMATOSIS, TYPE I, SOMATIC; Peripheral type neurofibromatosis. Identifiers: Orphanet 636, MedGen C0027831, MONDO:0018975, OMIM 162200. Disease mechanism: loss of function.

Submission:

Laboratory for Molecular Medicine, Mass General Brigham Personalized Medicine
Classification: Likely pathogenic for Neurofibromatosis, type 1. Last evaluated: 2022-08-26. Review status: criteria provided, single submitter. Criteria: ACMG Guidelines, 2015. Collection method: clinical testing. Allele origin: germline.
Comment: The p.Leu1068PhefsX10 variant in NF1 has not been reported in individuals with neurofibromatosis type 1 and has been identified in 6/25606 African chromosomes by gnomAD. This variant is predicted to cause a frameshift, which alters the protein’s amino acid sequence beginning at position 1068 and leads to a premature termination codon 10 amino acids downstream. This alteration is then predicted to lead to a truncated or absent protein. Loss of function of the NF1 gene is an established disease mechanism in autosomal dominant neurofibromatosis type 1. In summary, although additional studies are required to fully establish its clinical significance, this variant meets criteria to be classified as likely pathogenic for autosomal dominant neurofibromatosis type 1. ACMG/AMP Criteria applied: PVS1, PM2_Supporting.